The following is an entry in ClinVar:

ClinVar aggregate classification (germline): Uncertain significance (0 of 4 stars; one submission).

Conditions:
UNC79-related disorder. Also called: UNC79-related condition.

Submission:

PreventionGenetics, part of Exact Sciences
Classification: Uncertain significance for UNC79-related condition. Last evaluated: 2024-01-16. Review status: no assertion criteria provided. Collection method: clinical testing. Allele origin: germline.
Comment: The UNC79 c.1052+2T>A variant is predicted to disrupt the GT donor site and interfere with normal splicing. To our knowledge, this variant has not been reported in the literature or in a large population database, indicating this variant is rare. Although we suspect that this variant may be pathogenic, at this time, the clinical significance of this variant is uncertain due to the absence of conclusive functional and genetic evidence.

NM_001395159.1(UNC79):c.1052+2T>A

Gene: UNC79 (unc-79 homolog, NALCN channel complex subunit; plus strand). Cytogenetic location: 14q32.12.
Variant type: single nucleotide variant.
Coding change: c.1052+2T>A on transcript NM_001395159.1 (MANE Select); the canonical splice donor site of the intron after coding-DNA position 1052, T replaced by A.
Molecular consequence: splice donor variant.
Genome position (GRCh38, 1-based): chr14:93,528,648, T>A. VCF-style: chr14-93528648-T-A. GRCh37 (hg19) VCF-style: chr14-93994994-T-A.
Other names: c.521+2T>A (NM_020818.5); c.1052+2T>A (NM_001346218.2).
Identifiers: ClinVar variation 3031182 (VCV003031182.2), dbSNP rs2548437674, ClinGen allele CA390781588.